The following is an entry in ClinVar:

ClinVar aggregate classification (germline): Conflicting classifications of pathogenicity. Review status: criteria provided, conflicting classifications (1 of 4 stars). 2 submissions from 2 submitters: Likely pathogenic (1); Uncertain significance (1). Last evaluated 2025-04-07.

Conditions:
Retinitis pigmentosa 25 (RP25). Identifiers: Orphanet 791, MedGen C1864446, MONDO:0011272, OMIM 602772.

gnomAD v4.1: 1 of 1,510,858 alleles (0.000066%); no homozygotes.

Submissions (2):

Labcorp Genetics (formerly Invitae), Labcorp
Classification: Uncertain significance. Last evaluated: 2025-04-07. Review status: criteria provided, single submitter. Criteria: Invitae Variant Classification Sherloc (09022015). Collection method: clinical testing. Allele origin: germline.
Comment: This sequence change replaces valine, which is neutral and non-polar, with alanine, which is neutral and non-polar, at codon 3134 of the EYS protein (p.Val3134Ala). This variant is not present in population databases (gnomAD no frequency). This variant has not been reported in the literature in individuals affected with EYS-related conditions. ClinVar contains an entry for this variant (Variation ID: 1412218). Invitae Evidence Modeling of protein sequence and biophysical properties (such as structural, functional, and spatial information, amino acid conservation, physicochemical variation, residue mobility, and thermodynamic stability) has been performed for this missense variant. However, the output from this modeling did not meet the statistical confidence thresholds required to predict the impact of this variant on EYS protein function. In summary, the available evidence is currently insufficient to determine the role of this variant in disease. Therefore, it has been classified as a Variant of Uncertain Significance.

Clinical Genetics Service, Universitary Hospital 12 de Octubre
Classification: Likely pathogenic for Retinitis pigmentosa 25. Review status: criteria provided, single submitter. Criteria: ACMG Guidelines, 2015. Collection method: clinical testing. Allele origin: germline. Affected: yes.

NM_001142800.2(EYS):c.9401T>C (p.Val3134Ala)

Genes: EYS (EGF-like photoreceptor maintenance factor; minus strand), PHF3 (PHD finger protein 3; plus strand). Cytogenetic location: 6q12.
Variant type: single nucleotide variant.
Coding change: c.9401T>C on transcript NM_001142800.2 (MANE Select); coding-DNA position 9401, T replaced by C.
Protein change: p.Val3134Ala; replaces valine 3134 with alanine.
Molecular consequence: missense variant. On other transcripts: 3 prime UTR variant (5).
Genome position (GRCh38, 1-based): chr6:63,720,630, A>G on the plus strand (T>C on the coding strand, the complement: EYS is on the minus strand). VCF-style: chr6-63720630-A-G. GRCh37 (hg19) VCF-style: chr6-64430526-A-G.
Other names: c.*6922A>G (NM_001290259.2, NM_001370348.2, NM_001370349.2 and 2 more transcripts); c.9464T>C, p.Val3155Ala (NM_001292009.2); short protein forms V3155A, V3134A.
Identifiers: ClinVar variation 1412218 (VCV001412218.7), dbSNP rs2149623403, ClinGen allele CA364382559.
Genomic context (GRCh38, chr6:63,720,630, plus strand): 5'-TGTGTACTAAAATCTCTAGTGTTAACTTATGTAACCTCATTTTGTTCATCTCCATCATAA[A>G]CATTGTATCCTTCTAATTTAATTAGTTCAATGTTTTTTGGTTCCTGAAAAAATACAACAT-3'
Protein context (NP_001136272.1, residues 3124-3144): IELIKLEGYN[Val3134Ala]YDGDEQNEVT